The following is an entry in ClinVar:

NM_001852.4(COL9A2):c.472-11T>C

Gene: COL9A2 (collagen type IX alpha 2 chain; minus strand). Cytogenetic location: 1p34.2.
Variant type: single nucleotide variant.
Coding change: c.472-11T>C on transcript NM_001852.4 (MANE Select); 11 bases into the intron before coding-DNA position 472, T replaced by C.
Molecular consequence: intron variant.
Genome position (GRCh38, 1-based): chr1:40,311,558, A>G on the plus strand (T>C on the coding strand, the complement: COL9A2 is on the minus strand). VCF-style: chr1-40311558-A-G. GRCh37 (hg19) VCF-style: chr1-40777230-A-G.
Identifiers: ClinVar variation 4735273 (VCV004735273.1).
Genomic context (GRCh38, chr1:40,311,558, plus strand): 5'-ACCAGGAAATCCGCACTGCCTTCCAGACCCTGGATGGTTCCCGGGCGACCCTGAGAGGAG[A>G]CATGAAGATGGAGCTTGGCCTGACCCTTTCCCGCCGCAGGCTTGCTCAAAGACCCTTCTC-3'

ClinVar aggregate classification (germline): Uncertain significance (1 of 4 stars; one submission).

Submission:

Labcorp Genetics (formerly Invitae), Labcorp
Classification: Uncertain significance. Last evaluated: 2026-01-18. Review status: criteria provided, single submitter. Criteria: Invitae Variant Classification Sherloc (09022015). Collection method: clinical testing. Allele origin: germline.
Comment: This sequence change falls in intron 9 of the COL9A2 gene. It does not directly change the encoded amino acid sequence of the COL9A2 protein. This variant is not present in population databases (gnomAD no frequency). This variant has not been reported in the literature in individuals affected with COL9A2-related conditions. Algorithms developed to predict the effect of sequence changes on RNA splicing suggest that this variant may disrupt the consensus splice site. In summary, the available evidence is currently insufficient to determine the role of this variant in disease. Therefore, it has been classified as a Variant of Uncertain Significance.